The following is an entry in ClinVar:

NM_018444.4(PDP1):c.871G>T (p.Asp291Tyr)

Gene: PDP1 (pyruvate dehydrogenase phosphatase catalytic subunit 1; plus strand). Cytogenetic location: 8q22.1.
Variant type: single nucleotide variant.
Coding change: c.871G>T on transcript NM_018444.4 (MANE Select); coding-DNA position 871, G replaced by T.
Protein change: p.Asp291Tyr; replaces aspartic acid 291 with tyrosine.
Molecular consequence: missense variant.
Genome position (GRCh38, 1-based): chr8:93,922,930, G>T. VCF-style: chr8-93922930-G-T. GRCh37 (hg19) VCF-style: chr8-94935158-G-T.
Other names: c.946G>T, p.Asp316Tyr (NM_001161779.2, NM_001161780.2); c.871G>T, p.Asp291Tyr (NM_001161781.2); short protein forms D291Y, D316Y.
Identifiers: ClinVar variation 2010062 (VCV002010062.4), dbSNP rs772803719, ClinGen allele CA371694519.

ClinVar aggregate classification (germline): Uncertain significance (1 of 4 stars; one submission).

gnomAD v4.1: 2 of 1,614,172 alleles (0.00012%); highest among the groups gnomAD compares: Admixed American, 0.0033%; no homozygotes.

Submission:

Labcorp Genetics (formerly Invitae), Labcorp
Classification: Uncertain significance. Last evaluated: 2022-07-14. Review status: criteria provided, single submitter. Criteria: Invitae Variant Classification Sherloc (09022015). Collection method: clinical testing. Allele origin: germline.
Comment: In summary, the available evidence is currently insufficient to determine the role of this variant in disease. Therefore, it has been classified as a Variant of Uncertain Significance. Algorithms developed to predict the effect of missense changes on protein structure and function (SIFT, PolyPhen-2, Align-GVGD) all suggest that this variant is likely to be disruptive. This variant has not been reported in the literature in individuals affected with PDP1-related conditions. This variant is present in population databases (no rsID available, gnomAD 0.006%). This sequence change replaces aspartic acid, which is acidic and polar, with tyrosine, which is neutral and polar, at codon 291 of the PDP1 protein (p.Asp291Tyr).